The following is an entry in ClinVar:

ClinVar aggregate classification (germline): Uncertain significance (1 of 4 stars; one submission).

Submission:

Ambry Genetics
Classification: Uncertain significance. Last evaluated: 2025-03-07. Review status: criteria provided, single submitter. Criteria: Ambry Variant Classification Scheme 2023. Collection method: clinical testing. Allele origin: germline.
Comment: The p.P564T variant (also known as c.1690C>A), located in coding exon 2 of the CDK12 gene, results from a C to A substitution at nucleotide position 1690. The proline at codon 564 is replaced by threonine, an amino acid with highly similar properties. This amino acid position is conserved. In addition, this alteration is predicted to be tolerated by in silico analysis. Based on the available evidence, the clinical significance of this variant remains unclear.

NM_016507.4(CDK12):c.1690C>A (p.Pro564Thr)

Gene: CDK12 (cyclin dependent kinase 12; plus strand). Cytogenetic location: 17q12.
Variant type: single nucleotide variant.
Coding change: c.1690C>A on transcript NM_016507.4 (MANE Select); coding-DNA position 1690, C replaced by A.
Protein change: p.Pro564Thr; replaces proline 564 with threonine.
Molecular consequence: missense variant.
Genome position (GRCh38, 1-based): chr17:39,471,522, C>A. VCF-style: chr17-39471522-C-A. GRCh37 (hg19) VCF-style: chr17-37627775-C-A.
Other names: c.1690C>A, p.Pro564Thr (NM_015083.4); short protein forms P564T.
Identifiers: ClinVar variation 3830769 (VCV003830769.1).